The following is an entry in ClinVar:

ClinVar aggregate classification (germline): Uncertain significance. Review status: criteria provided, multiple submitters, no conflicts (2 of 4 stars). 2 submissions from 2 submitters: Uncertain significance (2). Last evaluated 2025-11-20.

Conditions:
Inborn genetic diseases. Identifiers: MedGen C0950123, MeSH D030342.

gnomAD v4.1: 15 of 1,613,740 alleles (0.00093%); highest among the groups gnomAD compares: African/African-American, 0.0053%; no homozygotes.

Submissions (3):

Ambry Genetics
Classification: Uncertain significance for Inborn genetic diseases. Last evaluated: 2025-11-20. Review status: criteria provided, single submitter. Criteria: Ambry Variant Classification Scheme 2023. Collection method: clinical testing. Allele origin: germline.

GeneDx
Classification: Uncertain significance. Last evaluated: 2025-04-02. Review status: criteria provided, single submitter. Criteria: GeneDx Variant Classification Process June 2021. Collection method: clinical testing. Allele origin: germline. Affected: yes.
Comment: Not observed at significant frequency in large population cohorts (gnomAD); In silico analysis indicates that this missense variant does not alter protein structure/function; Has not been previously published as pathogenic or benign to our knowledge

Dr. Peter K. Rogan Lab, Western University
No classification provided (evidence only). Condition: Melanoma. Review status: no classification provided. Collection method: in vitro. Allele origin: not applicable. Functional consequence: retained intron. Not counted in ClinVar's aggregate classification.

NM_004174.4(SLC9A3):c.2030C>T (p.Ala677Val)

Genes: SLC9A3 (solute carrier family 9 member A3), SLC9A3-AS1 (SLC9A3 antisense RNA 1; plus strand). Cytogenetic location: 5p15.33.
Variant type: single nucleotide variant.
Coding change: c.2030C>T on transcript NM_004174.4 (MANE Select); coding-DNA position 2030, C replaced by T.
Protein change: p.Ala677Val; replaces alanine 677 with valine.
Molecular consequence: missense variant. On other transcripts: non-coding transcript variant (1).
Genome position (GRCh38, 1-based): chr5:476,239, G>A on the plus strand (C>T on the coding strand, the complement: SLC9A3 is on the minus strand). VCF-style: chr5-476239-G-A. GRCh37 (hg19) VCF-style: chr5-476354-G-A.
Other names: NC_000005.9:g.476354G>A; c.2003C>T, p.Ala668Val (NM_001284351.3); c.2030C>T (NM_004174.2); short protein forms A668V, A677V.
Identifiers: ClinVar variation 4278761 (VCV004278761.3).
Genomic context (GRCh38, chr5:476,239, plus strand): 5'-GCCTCCTGGTGACCCAGCCTTACCCGCTTCTGGGCACGCTCCCGCTTGTACAGCTTGGCC[G>A]CCTTCTTGTTCTGGTTGAGCCCCAGCTTGGTCGACTTGAAGGACTCCAGGCGCTTCCGCA-3'
Protein context (NP_004165.2, residues 667-687): TKLGLNQNKK[Ala677Val]AKLYKRERAQ